The following is an entry in ClinVar:

NM_002227.4(JAK1):c.3403C>G (p.Gln1135Glu)

Gene: JAK1 (Janus kinase 1; minus strand). Cytogenetic location: 1p31.3.
Variant type: single nucleotide variant.
Coding change: c.3403C>G on transcript NM_002227.4 (MANE Select); coding-DNA position 3403, C replaced by G.
Protein change: p.Gln1135Glu; replaces glutamine 1135 with glutamic acid.
Molecular consequence: missense variant.
Genome position (GRCh38, 1-based): chr1:64,834,624, G>C on the plus strand (C>G on the coding strand, the complement: JAK1 is on the minus strand). VCF-style: chr1-64834624-G-C. GRCh37 (hg19) VCF-style: chr1-65300307-G-C.
Other names: c.3403C>G, p.Gln1135Glu (NM_001320923.2, NM_001321852.2, NM_001321853.2 and 3 more transcripts); c.3400C>G, p.Gln1134Glu (NM_001321857.2); short protein forms Q1134E, Q1135E.
Identifiers: ClinVar variation 3652761 (VCV003652761.2).

ClinVar aggregate classification (germline): Uncertain significance (1 of 4 stars; one submission).

Submission:

Labcorp Genetics (formerly Invitae), Labcorp
Classification: Uncertain significance. Last evaluated: 2024-05-09. Review status: criteria provided, single submitter. Criteria: Invitae Variant Classification Sherloc (09022015). Collection method: clinical testing. Allele origin: germline.
Comment: This sequence change replaces glutamine, which is neutral and polar, with glutamic acid, which is acidic and polar, at codon 1135 of the JAK1 protein (p.Gln1135Glu). This variant is not present in population databases (gnomAD no frequency). This variant has not been reported in the literature in individuals affected with JAK1-related conditions. Advanced modeling of protein sequence and biophysical properties (such as structural, functional, and spatial information, amino acid conservation, physicochemical variation, residue mobility, and thermodynamic stability) performed at Invitae indicates that this missense variant is not expected to disrupt JAK1 protein function with a negative predictive value of 80%. In summary, the available evidence is currently insufficient to determine the role of this variant in disease. Therefore, it has been classified as a Variant of Uncertain Significance.